The following is an entry in ClinVar:

NM_006261.5(PROP1):c.581G>A (p.Trp194Ter)

Gene: PROP1 (PROP paired-like homeobox 1; minus strand). Cytogenetic location: 5q35.3.
Variant type: single nucleotide variant.
Coding change: c.581G>A on transcript NM_006261.5 (MANE Select); coding-DNA position 581, G replaced by A.
Protein change: p.Trp194Ter; replaces tryptophan 194 with a stop codon.
Molecular consequence: nonsense.
Genome position (GRCh38, 1-based): chr5:177,992,809, C>T on the plus strand (G>A on the coding strand, the complement: PROP1 is on the minus strand). VCF-style: chr5-177992809-C-T. GRCh37 (hg19) VCF-style: chr5-177419810-C-T.
Other names: short protein forms W194*.
Identifiers: ClinVar variation 2752750 (VCV002752750.3), dbSNP rs2480284181, ClinGen allele CA362378426.
Genomic context (GRCh38, chr5:177,992,809, plus strand): 5'-ATGGGAGGGGGTGGGGGGCAGGGCAGATGGCCGGCAGGGGCTGGGTGCAAGGTAGGGTAC[C>T]AGTCCTCAGACTGGTGTGACAAAGCAAAGGCGCCTCCTGTGGAGGGCTGGGAAGGGAGGG-3'

ClinVar aggregate classification (germline): Likely pathogenic (1 of 4 stars; one submission).

Allele frequency attached by ClinVar (database versions not stated): gnomAD exomes below 0.00001.

Submission:

Labcorp Genetics (formerly Invitae), Labcorp
Classification: Likely pathogenic. Last evaluated: 2023-08-25. Review status: criteria provided, single submitter. Criteria: Invitae Variant Classification Sherloc (09022015). Collection method: clinical testing. Allele origin: germline.
Comment: In summary, the currently available evidence indicates that the variant is pathogenic, but additional data are needed to prove that conclusively. Therefore, this variant has been classified as Likely Pathogenic. This variant is not present in population databases (gnomAD no frequency). A different variant (c.582G>A ) giving rise to the same protein effect has been determined to be pathogenic (PMID: 15941866, 20381582). This suggests that this variant is also likely to be causative of disease. This sequence change creates a premature translational stop signal (p.Trp194*) in the PROP1 gene. While this is not anticipated to result in nonsense mediated decay, it is expected to disrupt the last 33 amino acid(s) of the PROP1 protein.

Literature cited by the submitters: PubMed 15941866; PubMed 20381582.